The following is an entry in ClinVar:

NM_006348.5(COG5):c.1264A>G (p.Met422Val)

Gene: COG5 (component of oligomeric golgi complex 5; minus strand). Cytogenetic location: 7q22.3.
Variant type: single nucleotide variant.
Coding change: c.1264A>G on transcript NM_006348.5 (MANE Select); coding-DNA position 1264, A replaced by G.
Protein change: p.Met422Val; replaces methionine 422 with valine.
Molecular consequence: missense variant.
Genome position (GRCh38, 1-based): chr7:107,298,191, T>C on the plus strand (A>G on the coding strand, the complement: COG5 is on the minus strand). VCF-style: chr7-107298191-T-C. GRCh37 (hg19) VCF-style: chr7-106938636-T-C.
Other names: c.1264A>G, p.Met422Val (NM_001161520.2, NM_001379511.1, NM_001379512.1 and 3 more transcripts); c.694A>G, p.Met232Val (NM_001379515.1); c.550A>G, p.Met184Val (NM_001379516.1); c.1357A>G (NM_006348.3); short protein forms M232V, M422V, M184V.
Identifiers: ClinVar variation 2137037 (VCV002137037.2), dbSNP rs745522403, ClinGen allele CA4430965.

ClinVar aggregate classification (germline): Uncertain significance. Review status: criteria provided, multiple submitters, no conflicts (2 of 4 stars). 2 submissions from 2 submitters: Uncertain significance (2). Last evaluated 2025-10-01.

Conditions:
Inborn genetic diseases. Identifiers: MedGen C0950123, MeSH D030342.
COG5-congenital disorder of glycosylation. Also called: CONGENITAL DISORDER OF GLYCOSYLATION, TYPE IIi; CDG IIi; COG5-CDG. Identifiers: Orphanet 263487, MedGen C3150876, MONDO:0013325, OMIM 613612.

Allele frequency attached by ClinVar (database versions not stated): gnomAD 0.00002; gnomAD exomes 0.00002; TOPMed 0.00002; ExAC 0.00004.
gnomAD v4.1: 34 of 1,613,004 alleles (0.0021%); highest among the groups gnomAD compares: Non-Finnish European, 0.0027%; no homozygotes.

Submissions (2):

Ambry Genetics
Classification: Uncertain significance for Inborn genetic diseases. Last evaluated: 2025-10-01. Review status: criteria provided, single submitter. Criteria: Ambry Variant Classification Scheme 2023. Collection method: clinical testing. Allele origin: germline.

Labcorp Genetics (formerly Invitae), Labcorp
Classification: Uncertain significance for COG5-congenital disorder of glycosylation. Last evaluated: 2022-01-26. Review status: criteria provided, single submitter. Criteria: Invitae Variant Classification Sherloc (09022015). Collection method: clinical testing. Allele origin: germline.
Comment: This sequence change replaces methionine, which is neutral and non-polar, with valine, which is neutral and non-polar, at codon 453 of the COG5 protein (p.Met453Val). This variant is present in population databases (rs745522403, gnomAD 0.004%). This variant has not been reported in the literature in individuals affected with COG5-related conditions. Algorithms developed to predict the effect of missense changes on protein structure and function output the following: SIFT: "Tolerated"; PolyPhen-2: "Benign"; Align-GVGD: "Class C0". The valine amino acid residue is found in multiple mammalian species, which suggests that this missense change does not adversely affect protein function. In summary, the available evidence is currently insufficient to determine the role of this variant in disease. Therefore, it has been classified as a Variant of Uncertain Significance.